The following is an entry in ClinVar:

NM_002224.4(ITPR3):c.3391A>C (p.Lys1131Gln)

Gene: ITPR3 (inositol 1,4,5-trisphosphate receptor type 3; plus strand). Cytogenetic location: 6p21.31.
Variant type: single nucleotide variant.
Coding change: c.3391A>C on transcript NM_002224.4 (MANE Select); coding-DNA position 3391, A replaced by C.
Protein change: p.Lys1131Gln; replaces lysine 1131 with glutamine.
Molecular consequence: missense variant.
Genome position (GRCh38, 1-based): chr6:33,676,876, A>C. VCF-style: chr6-33676876-A-C. GRCh37 (hg19) VCF-style: chr6-33644653-A-C.
Other names: short protein forms K1131Q.
Identifiers: ClinVar variation 2656497 (VCV002656497.24), dbSNP rs1764920835, ClinGen allele CA363702203.

ClinVar aggregate classification (germline): Uncertain significance (1 of 4 stars; one submission).

Allele frequency attached by ClinVar (database versions not stated): gnomAD exomes below 0.00001.
gnomAD v4.1: 3 of 1,614,066 alleles (0.00019%); highest among the groups gnomAD compares: Non-Finnish European, 0.00025%; no homozygotes.

Submission:

CeGaT Center for Human Genetics Tuebingen
Classification: Uncertain significance. Last evaluated: 2023-04-01. Review status: criteria provided, single submitter. Criteria: CeGaT Center For Human Genetics Tuebingen Variant Classification Criteria Version 2. Collection method: clinical testing. Allele origin: germline. Affected: yes. Observed: 1 variant allele.
Comment: ITPR3: PM2